The following is an entry in ClinVar:

NM_001042492.3(NF1):c.4724+2T>C

Gene: NF1 (neurofibromin 1; plus strand). Cytogenetic location: 17q11.2.
Variant type: single nucleotide variant.
Coding change: c.4724+2T>C on transcript NM_001042492.3 (MANE Select); the canonical splice donor site of the intron after coding-DNA position 4724, T replaced by C.
Molecular consequence: splice donor variant.
Genome position (GRCh38, 1-based): chr17:31,261,859, T>C. VCF-style: chr17-31261859-T-C. GRCh37 (hg19) VCF-style: chr17-29588877-T-C.
Other names: c.4661+2T>C (NM_000267.4).
Identifiers: ClinVar variation 3656175 (VCV003656175.2).

ClinVar aggregate classification (germline): Pathogenic (1 of 4 stars; one submission).

Conditions:
Neurofibromatosis, type 1 (NF1). Also called: Peripheral type neurofibromatosis; VON RECKLINGHAUSEN DISEASE; NEUROFIBROMATOSIS, TYPE I, SOMATIC; Neurofibromatosis, type I. Identifiers: Orphanet 636, MedGen C0027831, MONDO:0018975, OMIM 162200. Disease mechanism: loss of function.

Submission:

Labcorp Genetics (formerly Invitae), Labcorp
Classification: Pathogenic for Neurofibromatosis, type 1. Last evaluated: 2024-06-11. Review status: criteria provided, single submitter. Criteria: Invitae Variant Classification Sherloc (09022015). Collection method: clinical testing. Allele origin: germline.
Comment: This sequence change affects a donor splice site in intron 34 of the NF1 gene. It is expected to disrupt RNA splicing. Variants that disrupt the donor or acceptor splice site typically lead to a loss of protein function (PMID: 16199547), and loss-of-function variants in NF1 are known to be pathogenic (PMID: 10712197, 23913538). This variant is not present in population databases (gnomAD no frequency). Disruption of this splice site has been observed in individuals with clinical features of neurofibromatosis type 1 (PMID: 19449407; Invitae). Algorithms developed to predict the effect of sequence changes on RNA splicing suggest that this variant may disrupt the consensus splice site. For these reasons, this variant has been classified as Pathogenic.

Literature cited by the submitters: PubMed 16199547; PubMed 10712197; PubMed 23913538; PubMed 19449407.